The following is an entry in ClinVar:

NM_033305.3(VPS13A):c.963G>A (p.Val321=)

Gene: VPS13A (vacuolar protein sorting 13 homolog A; plus strand). Cytogenetic location: 9q21.2.
Variant type: single nucleotide variant.
Coding change: c.963G>A on transcript NM_033305.3 (MANE Select); coding-DNA position 963, G replaced by A.
Protein change: p.Val321=; no amino-acid change (valine 321 retained).
Molecular consequence: synonymous variant.
Genome position (GRCh38, 1-based): chr9:77,220,357, G>A. VCF-style: chr9-77220357-G-A. GRCh37 (hg19) VCF-style: chr9-79835273-G-A.
Other names: c.963G>A, p.Val321= (NM_001018037.2, NM_001018038.3, NM_015186.4).
Identifiers: ClinVar variation 696055 (VCV000696055.19), dbSNP rs184828562, ClinGen allele CA5091535.

ClinVar aggregate classification (germline): Conflicting classifications of pathogenicity. Review status: criteria provided, conflicting classifications (1 of 4 stars). 4 submissions from 4 submitters: Uncertain significance (1); Benign (1); Likely benign (1). 1 of the submissions does not count toward it. Last evaluated 2025-12-14.

Conditions:
VPS13A-related neurodegenerative disease. Also called: LEVINE-CRITCHLEY SYNDROME; Choreaacanthocytosis; VPS13A Disease; Choreoacanthocytosis; Chorea-acanthocytosis; ACANTHOCYTOSIS WITH NEUROLOGIC DISORDER. Identifiers: Orphanet 2388, MedGen C0393576, MONDO:0008695, OMIM 200150.

Allele frequency attached by ClinVar (database versions not stated): gnomAD exomes 0.00007 and 0.00042; TOPMed 0.00017; gnomAD 0.00005 and 0.00007; ExAC 0.00035; 1000 Genomes Project 30x 0.00047; 1000 Genomes Project 0.00060.
gnomAD v4.1: 115 of 1,610,232 alleles (0.0071%); highest among the groups gnomAD compares: East Asian, 0.24%; 1 homozygote.

Submissions (4):

Labcorp Genetics (formerly Invitae), Labcorp
Classification: Benign. Last evaluated: 2025-12-14. Review status: criteria provided, single submitter. Criteria: Invitae Variant Classification Sherloc (09022015). Collection method: clinical testing. Allele origin: germline.

Blueprint Genetics
Classification: Likely benign. Last evaluated: 2023-11-08. Review status: criteria provided, single submitter. Criteria: ACMG Guidelines, 2015. Collection method: clinical testing. Allele origin: germline.

Illumina Laboratory Services, Illumina
Classification: Uncertain significance for VPS13A-related neurodegenerative disease. Last evaluated: 2017-04-27. Review status: criteria provided, single submitter. Criteria: ICSL Variant Classification Criteria 13 December 2019. Collection method: clinical testing. Allele origin: germline.
Comment: This variant was observed as part of a predisposition screen in an ostensibly healthy population. A literature search was performed for the gene, cDNA change, and amino acid change (where applicable). Publications were found based on this search. However, the evidence from the literature, in combination with allele frequency data from public databases where available, was not sufficient to rule this variant in or out of causing disease. Therefore, this variant is classified as a variant of unknown significance.

Natera, Inc.
Classification: Benign for Choreaacanthocytosis. Last evaluated: 2020-04-14. Review status: no assertion criteria provided. Collection method: clinical testing. Allele origin: germline. Not counted in ClinVar's aggregate classification.

Literature cited by the submitters: PubMed 21145924 (cited by Illumina Laboratory Services, Illumina).